The following is an entry in ClinVar:

ClinVar aggregate classification (germline): Uncertain significance. Review status: criteria provided, multiple submitters, no conflicts (2 of 4 stars). 4 submissions from 4 submitters: Uncertain significance (4). Last evaluated 2025-12-10.

Conditions:
DICER1-related tumor predisposition. Also called: DICER1-related pleuropulmonary blastoma cancer predisposition syndrome; DICER1 syndrome. Identifiers: Orphanet 284343, MedGen C3839822, MONDO:0100216.
Global developmental delay - lung cysts - overgrowth - Wilms tumor syndrome. Also called: GLOBAL DEVELOPMENTAL DELAY, LUNG CYSTS, OVERGROWTH, AND WILMS TUMOR; GLOW Syndrome. Identifiers: Orphanet 404476, MedGen C4748924, MONDO:0018445, OMIM 618272.
Hereditary cancer-predisposing syndrome. Also called: Neoplastic Syndromes, Hereditary; Tumor predisposition; Hereditary Cancer Syndrome; Hereditary neoplastic syndrome. Identifiers: Orphanet 140162, MedGen C0027672, MeSH D009386, MONDO:0015356.

Allele frequency attached by ClinVar (database versions not stated): gnomAD 0.00001; TOPMed 0.00001; gnomAD exomes 0.00002 and 0.00005.
gnomAD v4.1: 77 of 1,614,046 alleles (0.0048%); highest among the groups gnomAD compares: Non-Finnish European, 0.0062%; no homozygotes.

Submissions (4):

Labcorp Genetics (formerly Invitae), Labcorp
Classification: Uncertain significance for DICER1-related tumor predisposition. Last evaluated: 2025-12-10. Review status: criteria provided, single submitter. Criteria: Invitae Variant Classification Sherloc (09022015). Collection method: clinical testing. Allele origin: germline.
Comment: This sequence change replaces alanine, which is neutral and non-polar, with valine, which is neutral and non-polar, at codon 1011 of the DICER1 protein (p.Ala1011Val). This variant is present in population databases (rs772243498, gnomAD 0.004%). This variant has not been reported in the literature in individuals affected with DICER1-related conditions. ClinVar contains an entry for this variant (Variation ID: 543623). Invitae Evidence Modeling of protein sequence and biophysical properties (such as structural, functional, and spatial information, amino acid conservation, physicochemical variation, residue mobility, and thermodynamic stability) indicates that this missense variant is not expected to disrupt DICER1 protein function with a negative predictive value of 95%. In summary, the available evidence is currently insufficient to determine the role of this variant in disease. Therefore, it has been classified as a Variant of Uncertain Significance.

Ambry Genetics
Classification: Uncertain significance for Hereditary cancer-predisposing syndrome. Last evaluated: 2024-12-08. Review status: criteria provided, single submitter. Criteria: Ambry Variant Classification Scheme 2023. Collection method: clinical testing. Allele origin: germline.
Comment: The p.A1011V variant (also known as c.3032C>T), located in coding exon 18 of the DICER1 gene, results from a C to T substitution at nucleotide position 3032. The alanine at codon 1011 is replaced by valine, an amino acid with similar properties. This amino acid position is highly conserved in available vertebrate species. In addition, the in silico prediction for this alteration is inconclusive. Since supporting evidence is limited at this time, the clinical significance of this alteration remains unclear.

GeneDx
Classification: Uncertain significance. Last evaluated: 2024-08-05. Review status: criteria provided, single submitter. Criteria: GeneDx Variant Classification Process June 2021. Collection method: clinical testing. Allele origin: germline. Affected: yes.
Comment: Not observed at significant frequency in large population cohorts (gnomAD); In silico analysis indicates that this missense variant does not alter protein structure/function; Has not been previously published as pathogenic or benign to our knowledge

Baylor Genetics
Classification: Uncertain significance for Global developmental delay - lung cysts - overgrowth - Wilms tumor syndrome. Last evaluated: 2023-08-15. Review status: criteria provided, single submitter. Criteria: ACMG Guidelines, 2015. Collection method: clinical testing. Allele origin: unknown.

NM_177438.3(DICER1):c.3032C>T (p.Ala1011Val)

Gene: DICER1 (dicer 1, ribonuclease III; minus strand). Cytogenetic location: 14q32.13.
Variant type: single nucleotide variant.
Coding change: c.3032C>T on transcript NM_177438.3 (MANE Select); coding-DNA position 3032, C replaced by T.
Protein change: p.Ala1011Val; replaces alanine 1011 with valine.
Molecular consequence: missense variant.
Genome position (GRCh38, 1-based): chr14:95,105,739, G>A on the plus strand (C>T on the coding strand, the complement: DICER1 is on the minus strand). VCF-style: chr14-95105739-G-A. GRCh37 (hg19) VCF-style: chr14-95572076-G-A.
Other names: c.3032C>T, p.Ala1011Val (NM_001195573.1, NM_001271282.3, NM_001291628.2 and 1 more transcripts); short protein forms A1011V.
Identifiers: ClinVar variation 543623 (VCV000543623.21), dbSNP rs772243498, ClinGen allele CA265907590.